The following is an entry in ClinVar:

ClinVar aggregate classification (germline): Uncertain significance (1 of 4 stars; one submission).

Allele frequency attached by ClinVar (database versions not stated): TOPMed below 0.00001; gnomAD 0.00001; ExAC 0.00002; ESP Exome Variant Server 0.00008.
gnomAD v4.1: 12 of 1,614,054 alleles (0.00074%); highest among the groups gnomAD compares: Non-Finnish European, 0.001%; no homozygotes.

Submission:

Labcorp Genetics (formerly Invitae), Labcorp
Classification: Uncertain significance. Last evaluated: 2022-01-01. Review status: criteria provided, single submitter. Criteria: Invitae Variant Classification Sherloc (09022015). Collection method: clinical testing. Allele origin: germline.
Comment: This sequence change replaces leucine, which is neutral and non-polar, with valine, which is neutral and non-polar, at codon 812 of the MCM3AP protein (p.Leu812Val). This variant is present in population databases (rs145701527, gnomAD 0.003%). This variant has not been reported in the literature in individuals affected with MCM3AP-related conditions. Algorithms developed to predict the effect of missense changes on protein structure and function (SIFT, PolyPhen-2, Align-GVGD) all suggest that this variant is likely to be disruptive. In summary, the available evidence is currently insufficient to determine the role of this variant in disease. Therefore, it has been classified as a Variant of Uncertain Significance.

NM_003906.5(MCM3AP):c.2434C>G (p.Leu812Val)

Gene: MCM3AP (minichromosome maintenance complex component 3 associated protein; minus strand). Cytogenetic location: 21q22.3.
Variant type: single nucleotide variant.
Coding change: c.2434C>G on transcript NM_003906.5 (MANE Select); coding-DNA position 2434, C replaced by G.
Protein change: p.Leu812Val; replaces leucine 812 with valine.
Molecular consequence: missense variant.
Genome position (GRCh38, 1-based): chr21:46,272,592, G>C on the plus strand (C>G on the coding strand, the complement: MCM3AP is on the minus strand). VCF-style: chr21-46272592-G-C. GRCh37 (hg19) VCF-style: chr21-47692506-G-C.
Other names: short protein forms L812V.
Identifiers: ClinVar variation 2419263 (VCV002419263.6), dbSNP rs145701527, ClinGen allele CA10076820.
Genomic context (GRCh38, chr21:46,272,592, plus strand): 5'-TAGGACAACTTTTGGATGTGAAAATTCACCTTAGGATGTCTCCCTTGTTGAGACTGAGCA[G>C]AACATTGTAGCCCTGGAACTCCGCTTCGCTGGCACAGAAGACACCCTTGTTTCTCAGGTC-3'
Protein context (NP_003897.2, residues 802-822): SEAEFQGYNV[Leu812Val]LSLNKGDILR